The following is an entry in ClinVar:

NM_001126108.2(SLC12A3):c.1949G>T (p.Gly650Val)

Gene: SLC12A3 (solute carrier family 12 member 3; plus strand). Cytogenetic location: 16q13.
Variant type: single nucleotide variant.
Coding change: c.1949G>T on transcript NM_001126108.2 (MANE Select); coding-DNA position 1949, G replaced by T.
Protein change: p.Gly650Val; replaces glycine 650 with valine.
Molecular consequence: missense variant.
Genome position (GRCh38, 1-based): chr16:56,886,387, G>T. VCF-style: chr16-56886387-G-T. GRCh37 (hg19) VCF-style: chr16-56920299-G-T.
Other names: c.1946G>T, p.Gly649Val (NM_001410896.1, NM_001126107.2); c.1949G>T, p.Gly650Val (NM_000339.3); short protein forms G649V, G650V.
Identifiers: ClinVar variation 4687506 (VCV004687506.1).
Genomic context (GRCh38, chr16:56,886,387, plus strand): 5'-TCCTGATGGCTCCTGCCCTTTTCCCTTCCCTCCTCAGCCCCCAGTGCCTGGTGCTCACGG[G>T]GCCCCCCAACTTCCGCCCGGCCCTGGTGGACTTTGTGGGCACCTTCACCCGGAACCTCAG-3'
Protein context (NP_001119580.2, residues 640-660): NYRPQCLVLT[Gly650Val]PPNFRPALVD

ClinVar aggregate classification (germline): Uncertain significance (1 of 4 stars; one submission).

Submission:

Women's Health and Genetics/Laboratory Corporation of America, LabCorp
Classification: Uncertain significance. Last evaluated: 2025-10-07. Review status: criteria provided, single submitter. Criteria: LabCorp Variant Classification Summary - May 2015. Collection method: clinical testing. Allele origin: germline.
Comment: Variant summary: SLC12A3 c.1949G>T (p.Gly650Val) results in a non-conservative amino acid change in the encoded protein sequence. Algorithms developed to predict the effect of missense changes on protein structure and function all suggest that this variant is likely to be disruptive. The variant was absent in 250534 control chromosomes. The available data on variant occurrences in the general population are insufficient to allow any conclusion about variant significance. To our knowledge, no occurrence of c.1949G>T in individuals affected with SLC12A3-related conditions and no experimental evidence demonstrating its impact on protein function have been reported. No submitters have cited clinical-significance assessments for this variant to ClinVar. Based on the evidence outlined above, the variant was classified as uncertain significance.